The following is an entry in ClinVar:

NM_004329.3(BMPR1A):c.419C>T (p.Pro140Leu)

Gene: BMPR1A (bone morphogenetic protein receptor type 1A; plus strand). Cytogenetic location: 10q23.2.
Variant type: single nucleotide variant.
Coding change: c.419C>T on transcript NM_004329.3 (MANE Select); coding-DNA position 419, C replaced by T.
Protein change: p.Pro140Leu; replaces proline 140 with leucine.
Molecular consequence: missense variant.
Genome position (GRCh38, 1-based): chr10:86,899,879, C>T. VCF-style: chr10-86899879-C-T. GRCh37 (hg19) VCF-style: chr10-88659636-C-T.
Other names: short protein forms P140L.
Identifiers: ClinVar variation 489695 (VCV000489695.18), dbSNP rs1312138101, ClinGen allele CA377449844.

ClinVar aggregate classification (germline): Uncertain significance. Review status: criteria provided, multiple submitters, no conflicts (2 of 4 stars). 5 submissions from 5 submitters: Uncertain significance (5). Last evaluated 2026-08-31.

Conditions:
Hereditary cancer-predisposing syndrome. Also called: Neoplastic Syndromes, Hereditary; Hereditary neoplastic syndrome; Hereditary Cancer Syndrome; Tumor predisposition. Identifiers: Orphanet 140162, MedGen C0027672, MeSH D009386, MONDO:0015356.
Juvenile polyposis syndrome (JPS). Identifiers: Orphanet 2929, MedGen C0345893, MONDO:0017380, OMIM 174900.

Allele frequency attached by ClinVar (database versions not stated): TOPMed 0.00001.

Submissions (5):

Ambry Genetics
Classification: Uncertain significance for Hereditary cancer-predisposing syndrome. Last evaluated: 2026-08-31. Review status: criteria provided, single submitter. Criteria: Ambry Variant Classification Scheme 2023. Collection method: clinical testing. Allele origin: germline.

Labcorp Genetics (formerly Invitae), Labcorp
Classification: Uncertain significance for Juvenile polyposis syndrome. Last evaluated: 2025-10-23. Review status: criteria provided, single submitter. Criteria: Invitae Variant Classification Sherloc (09022015). Collection method: clinical testing. Allele origin: germline.
Comment: This sequence change replaces proline, which is neutral and non-polar, with leucine, which is neutral and non-polar, at codon 140 of the BMPR1A protein (p.Pro140Leu). This variant is not present in population databases (gnomAD no frequency). This variant has not been reported in the literature in individuals affected with BMPR1A-related conditions. ClinVar contains an entry for this variant (Variation ID: 489695). Invitae Evidence Modeling of protein sequence and biophysical properties (such as structural, functional, and spatial information, amino acid conservation, physicochemical variation, residue mobility, and thermodynamic stability) indicates that this missense variant is not expected to disrupt BMPR1A protein function with a negative predictive value of 80%. In summary, the available evidence is currently insufficient to determine the role of this variant in disease. Therefore, it has been classified as a Variant of Uncertain Significance.

GeneDx
Classification: Uncertain significance. Last evaluated: 2024-05-29. Review status: criteria provided, single submitter. Criteria: GeneDx Variant Classification Process June 2021. Collection method: clinical testing. Allele origin: germline. Affected: yes.
Comment: Not observed at significant frequency in large population cohorts (gnomAD); In silico analysis supports that this missense variant has a deleterious effect on protein structure/function; Has not been previously published as pathogenic or benign to our knowledge

Color Diagnostics, LLC DBA Color Health
Classification: Uncertain significance for Hereditary cancer-predisposing syndrome. Last evaluated: 2023-12-05. Review status: criteria provided, single submitter. Criteria: ACMG Guidelines, 2015. Collection method: clinical testing. Allele origin: germline.
Comment: This missense variant replaces proline with leucine at codon 140 of the BMPR1A protein. Computational prediction is inconclusive regarding the impact of this variant on protein structure and function (internally defined REVEL score threshold 0.5 < inconclusive < 0.7, PMID: 27666373). To our knowledge, functional studies have not been reported for this variant. This variant has not been reported in individuals affected with BMPR1A-related disorders in the literature. This variant has not been identified in the general population by the Genome Aggregation Database (gnomAD). The available evidence is insufficient to determine the role of this variant in disease conclusively. Therefore, this variant is classified as a Variant of Uncertain Significance.

All of Us Research Program, National Institutes of Health
Classification: Uncertain significance for Juvenile polyposis syndrome. Last evaluated: 2023-08-15. Review status: criteria provided, single submitter. Criteria: ACMG Guidelines, 2015. Collection method: clinical testing. Allele origin: germline. Inheritance: Autosomal dominant inheritance. Observed: 1 variant allele, 1 heterozygote.
Comment: This study involves interpretation of variants in research participants for the purpose of population health screening. Participant phenotype was not available at the time of variant classification. Additional details can be found in publication PMID: 35346344, PMCID: PMC8962531